The following is an entry in ClinVar:

ClinVar aggregate classification (germline): Likely benign. Review status: criteria provided, multiple submitters, no conflicts (2 of 4 stars). 3 submissions from 3 submitters: Likely benign (3). Last evaluated 2024-06-04.

Conditions:
Cardiac arrhythmia. Also called: Cardiac rhythm disease; Arrhythmia. Identifiers: MedGen C0003811, MONDO:0007263, HP:0011675.
Long QT syndrome (LQTS). Identifiers: MedGen C0023976, MeSH D008133, MONDO:0002442. Disease mechanism: loss of function. Inheritance: Various modes of inheritance.

Allele frequency attached by ClinVar (database versions not stated): TOPMed below 0.00001; gnomAD exomes below 0.00001.
gnomAD v4.1: 5 of 1,614,212 alleles (0.00031%); highest among the groups gnomAD compares: South Asian, 0.0011%; no homozygotes.

Submissions (3):

Labcorp Genetics (formerly Invitae), Labcorp
Classification: Likely benign for Long QT syndrome. Last evaluated: 2024-06-04. Review status: criteria provided, single submitter. Criteria: Invitae Variant Classification Sherloc (09022015). Collection method: clinical testing. Allele origin: germline.

All of Us Research Program, National Institutes of Health
Classification: Likely benign for Long QT syndrome. Last evaluated: 2023-06-15. Review status: criteria provided, single submitter. Criteria: ACMG Guidelines, 2015. Collection method: clinical testing. Allele origin: germline. Inheritance: Autosomal dominant inheritance. Observed: 2 variant alleles, 2 heterozygotes.
Comment: This study involves interpretation of variants in research participants for the purpose of population health screening. Participant phenotype was not available at the time of variant classification. Additional details can be found in publication PMID: 35346344, PMCID: PMC8962531

Color Diagnostics, LLC DBA Color Health
Classification: Likely benign for Cardiac arrhythmia. Last evaluated: 2023-05-17. Review status: criteria provided, single submitter. Criteria: ACMG Guidelines, 2015. Collection method: clinical testing. Allele origin: germline.

NM_000238.4(KCNH2):c.2535C>T (p.Tyr845=)

Gene: KCNH2 (potassium voltage-gated channel subfamily H member 2; minus strand). Cytogenetic location: 7q36.1.
Variant type: single nucleotide variant.
Coding change: c.2535C>T on transcript NM_000238.4 (MANE Select); coding-DNA position 2535, C replaced by T.
Protein change: p.Tyr845=; no amino-acid change (tyrosine 845 retained).
Molecular consequence: synonymous variant.
Genome position (GRCh38, 1-based): chr7:150,948,913, G>A on the plus strand (C>T on the coding strand, the complement: KCNH2 is on the minus strand). VCF-style: chr7-150948913-G-A. GRCh37 (hg19) VCF-style: chr7-150646001-G-A.
Other names: c.1515C>T, p.Tyr505= (NM_172057.3).
Identifiers: ClinVar variation 1128501 (VCV001128501.7), dbSNP rs111531831, ClinGen allele CA169074755.